The following is an entry in ClinVar:

ClinVar aggregate classification (germline): Uncertain significance (1 of 4 stars; one submission).

Conditions:
Retinitis pigmentosa 12 (RP12). Also called: RP WITH OR WITHOUT PRESERVED PARAARTERIOLE RETINAL PIGMENT EPITHELIUM; RETINITIS PIGMENTOSA WITH OR WITHOUT PARAARTERIOLAR PRESERVATION OF RETINAL PIGMENT EPITHELIUM; RP WITH OR WITHOUT PPRPE. Identifiers: Orphanet 791, MedGen C1838647, MONDO:0010818, OMIM 600105.
Leber congenital amaurosis 8 (LCA8). Identifiers: Orphanet 65, MedGen C3151202, MONDO:0013453, OMIM 613835.

Allele frequency attached by ClinVar (database versions not stated): ExAC 0.00001.
gnomAD v4.1: 1 of 1,614,228 alleles (0.000062%); highest among the groups gnomAD compares: Admixed American, 0.0017%; no homozygotes.

Submission:

Labcorp Genetics (formerly Invitae), Labcorp
Classification: Uncertain significance for Leber congenital amaurosis 8; Retinitis pigmentosa 12. Last evaluated: 2021-12-02. Review status: criteria provided, single submitter. Criteria: Invitae Variant Classification Sherloc (09022015). Collection method: clinical testing. Allele origin: germline.
Comment: This sequence change replaces asparagine, which is neutral and polar, with histidine, which is basic and polar, at codon 344 of the CRB1 protein (p.Asn344His). This variant is present in population databases (rs747565495, gnomAD 0.003%). This variant has not been reported in the literature in individuals affected with CRB1-related conditions. Advanced modeling of protein sequence and biophysical properties (such as structural, functional, and spatial information, amino acid conservation, physicochemical variation, residue mobility, and thermodynamic stability) performed at Invitae indicates that this missense variant is not expected to disrupt CRB1 protein function. In summary, the available evidence is currently insufficient to determine the role of this variant in disease. Therefore, it has been classified as a Variant of Uncertain Significance.

NM_201253.3(CRB1):c.1030A>C (p.Asn344His)

Gene: CRB1 (crumbs cell polarity complex component 1; plus strand). Cytogenetic location: 1q31.3.
Variant type: single nucleotide variant.
Coding change: c.1030A>C on transcript NM_201253.3 (MANE Select); coding-DNA position 1030, A replaced by C.
Protein change: p.Asn344His; replaces asparagine 344 with histidine.
Molecular consequence: missense variant. On other transcripts: non-coding transcript variant (2).
Genome position (GRCh38, 1-based): chr1:197,356,872, A>C. VCF-style: chr1-197356872-A-C. GRCh37 (hg19) VCF-style: chr1-197326002-A-C.
Other names: c.694A>C, p.Asn232His (NM_001193640.2); c.823A>C, p.Asn275His (NM_001257965.2); c.1030A>C, p.Asn344His (NM_001257966.2); short protein forms N232H, N275H, N344H.
Identifiers: ClinVar variation 2027066 (VCV002027066.4), dbSNP rs747565495, ClinGen allele CA1311784.
Genomic context (GRCh38, chr1:197,356,872, plus strand): 5'-CTGAATTTTCATCATGCAGGATACACAGGTGCCCAGTGTGAGATCGACCTCAATGAATGC[A>C]ATAGTAACCCCTGCCAGTCCAATGGGGAATGTGTGGAGCTGTCCTCAGAGAAACAATATG-3'
Protein context (NP_957705.1, residues 334-354): AQCEIDLNEC[Asn344His]SNPCQSNGEC